The following is an entry in ClinVar:

ClinVar aggregate classification (germline): Uncertain significance (1 of 4 stars; one submission).

gnomAD v4.1: 1 of 1,614,114 alleles (0.000062%); highest among the groups gnomAD compares: South Asian, 0.0011%; no homozygotes.

Submission:

Labcorp Genetics (formerly Invitae), Labcorp
Classification: Uncertain significance. Last evaluated: 2025-03-14. Review status: criteria provided, single submitter. Criteria: Invitae Variant Classification Sherloc (09022015). Collection method: clinical testing. Allele origin: germline.
Comment: This sequence change replaces tyrosine, which is neutral and polar, with cysteine, which is neutral and slightly polar, at codon 1522 of the ARID1B protein (p.Tyr1522Cys). This variant is not present in population databases (gnomAD no frequency). This variant has not been reported in the literature in individuals affected with ARID1B-related conditions. Invitae Evidence Modeling of protein sequence and biophysical properties (such as structural, functional, and spatial information, amino acid conservation, physicochemical variation, residue mobility, and thermodynamic stability) indicates that this missense variant is not expected to disrupt ARID1B protein function with a negative predictive value of 95%. In summary, the available evidence is currently insufficient to determine the role of this variant in disease. Therefore, it has been classified as a Variant of Uncertain Significance.

NM_001374828.1(ARID1B):c.4934A>G (p.Tyr1645Cys)

Gene: ARID1B (AT-rich interaction domain 1B; plus strand). Cytogenetic location: 6q25.3.
Variant type: single nucleotide variant.
Coding change: c.4934A>G on transcript NM_001374828.1 (MANE Select); coding-DNA position 4934, A replaced by G.
Protein change: p.Tyr1645Cys; replaces tyrosine 1645 with cysteine.
Molecular consequence: missense variant.
Genome position (GRCh38, 1-based): chr6:157,201,159, A>G. VCF-style: chr6-157201159-A-G. GRCh37 (hg19) VCF-style: chr6-157522293-A-G.
Other names: c.4814A>G, p.Tyr1605Cys (NM_001371656.1, NM_001374820.1); c.4775A>G, p.Tyr1592Cys (NM_017519.3); c.2435A>G, p.Tyr812Cys (NM_001363725.2); short protein forms Y1645C, Y812C, Y1592C, Y1605C.
Identifiers: ClinVar variation 3635339 (VCV003635339.2).